The following is an entry in ClinVar:

ClinVar aggregate classification (germline): Uncertain significance (1 of 4 stars; one submission).

Allele frequency attached by ClinVar (database versions not stated): TOPMed 0.00001.
gnomAD v4.1: 6 of 1,614,202 alleles (0.00037%); highest among the groups gnomAD compares: Admixed American, 0.0033%; no homozygotes.

Submission:

Labcorp Genetics (formerly Invitae), Labcorp
Classification: Uncertain significance. Last evaluated: 2025-08-11. Review status: criteria provided, single submitter. Criteria: Invitae Variant Classification Sherloc (09022015). Collection method: clinical testing. Allele origin: germline.
Comment: This sequence change replaces glycine, which is neutral and non-polar, with valine, which is neutral and non-polar, at codon 1263 of the FLNB protein (p.Gly1263Val). This variant is present in population databases (no rsID available, gnomAD 0.003%). This variant has not been reported in the literature in individuals affected with FLNB-related conditions. ClinVar contains an entry for this variant (Variation ID: 1923558). Invitae Evidence Modeling of protein sequence and biophysical properties (such as structural, functional, and spatial information, amino acid conservation, physicochemical variation, residue mobility, and thermodynamic stability) has been performed for this missense variant. However, the output from this modeling did not meet the statistical confidence thresholds required to predict the impact of this variant on FLNB protein function. In summary, the available evidence is currently insufficient to determine the role of this variant in disease. Therefore, it has been classified as a Variant of Uncertain Significance.

NM_001457.4(FLNB):c.3788G>T (p.Gly1263Val)

Gene: FLNB (filamin B; plus strand). Cytogenetic location: 3p14.3.
Variant type: single nucleotide variant.
Coding change: c.3788G>T on transcript NM_001457.4 (MANE Select); coding-DNA position 3788, G replaced by T.
Protein change: p.Gly1263Val; replaces glycine 1263 with valine.
Molecular consequence: missense variant.
Genome position (GRCh38, 1-based): chr3:58,124,395, G>T. VCF-style: chr3-58124395-G-T. GRCh37 (hg19) VCF-style: chr3-58110122-G-T.
Other names: c.3788G>T, p.Gly1263Val (NM_001164317.2, NM_001164318.2, NM_001164319.2); short protein forms G1263V.
Identifiers: ClinVar variation 1923558 (VCV001923558.5), dbSNP rs1017971561, ClinGen allele CA353349522.